The following is an entry in ClinVar:

NM_198253.3(TERT):c.3089C>T (p.Thr1030Ile)

Gene: TERT (telomerase reverse transcriptase; minus strand). Cytogenetic location: 5p15.33.
Variant type: single nucleotide variant.
Coding change: c.3089C>T on transcript NM_198253.3 (MANE Select); coding-DNA position 3089, C replaced by T.
Protein change: p.Thr1030Ile; replaces threonine 1030 with isoleucine.
Molecular consequence: missense variant. On other transcripts: non-coding transcript variant (2).
Genome position (GRCh38, 1-based): chr5:1,255,355, G>A on the plus strand (C>T on the coding strand, the complement: TERT is on the minus strand). VCF-style: chr5-1255355-G-A. GRCh37 (hg19) VCF-style: chr5-1255470-G-A.
Other names: c.2900C>T, p.Thr967Ile (NM_001193376.3); c.3089C>T, p.Thr1030Ile (NM_003219.1); short protein forms T1030I, T967I.
Identifiers: ClinVar variation 2045243 (VCV002045243.4), dbSNP rs377419542, ClinGen allele CA359068216.

ClinVar aggregate classification (germline): Uncertain significance (1 of 4 stars; one submission).

Conditions:
Dyskeratosis congenita, autosomal dominant 2. Identifiers: MedGen C3151443, MONDO:0013521, OMIM 613989.
Idiopathic Pulmonary Fibrosis. Also called: Idiopathic fibrosing alveolitis, chronic form; idiopathic fibrosing alveolitis. Identifiers: Orphanet 2032, MedGen C1800706, MeSH D054990, MONDO:0800504.

Submission:

Labcorp Genetics (formerly Invitae), Labcorp
Classification: Uncertain significance for Dyskeratosis congenita, autosomal dominant 2; Idiopathic Pulmonary Fibrosis. Last evaluated: 2021-12-17. Review status: criteria provided, single submitter. Criteria: Invitae Variant Classification Sherloc (09022015). Collection method: clinical testing. Allele origin: germline.
Comment: This sequence change replaces threonine, which is neutral and polar, with isoleucine, which is neutral and non-polar, at codon 1030 of the TERT protein (p.Thr1030Ile). In summary, the available evidence is currently insufficient to determine the role of this variant in disease. Therefore, it has been classified as a Variant of Uncertain Significance. Advanced modeling of protein sequence and biophysical properties (such as structural, functional, and spatial information, amino acid conservation, physicochemical variation, residue mobility, and thermodynamic stability) performed at Invitae indicates that this missense variant is not expected to disrupt TERT protein function. This variant has not been reported in the literature in individuals affected with TERT-related conditions. This variant is not present in population databases (gnomAD no frequency).